The following is an entry in ClinVar:

ClinVar aggregate classification (germline): Uncertain significance. Review status: criteria provided, multiple submitters, no conflicts (2 of 4 stars). 3 submissions from 3 submitters: Uncertain significance (3). Last evaluated 2025-12-17.

Conditions:
Inborn genetic diseases. Identifiers: MedGen C0950123, MeSH D030342.
Intellectual developmental disorder, X-linked, syndromic 14. Also called: Syndromic X-linked intellectual disability 14. Identifiers: Orphanet 776, MedGen C1970822, MONDO:0010398, OMIM 300676.

Allele frequency attached by ClinVar (database versions not stated): TOPMed 0.00001.

Submissions (3):

Labcorp Genetics (formerly Invitae), Labcorp
Classification: Uncertain significance for Intellectual developmental disorder, X-linked, syndromic 14. Last evaluated: 2025-12-17. Review status: criteria provided, single submitter. Criteria: Invitae Variant Classification Sherloc (09022015). Collection method: clinical testing. Allele origin: germline.
Comment: This sequence change replaces glutamic acid, which is acidic and polar, with aspartic acid, which is acidic and polar, at codon 232 of the UPF3B protein (p.Glu232Asp). This variant is not present in population databases (gnomAD no frequency). This variant has not been reported in the literature in individuals affected with UPF3B-related conditions. ClinVar contains an entry for this variant (Variation ID: 1312407). Invitae Evidence Modeling of protein sequence and biophysical properties (such as structural, functional, and spatial information, amino acid conservation, physicochemical variation, residue mobility, and thermodynamic stability) indicates that this missense variant is not expected to disrupt UPF3B protein function with a negative predictive value of 80%. In summary, the available evidence is currently insufficient to determine the role of this variant in disease. Therefore, it has been classified as a Variant of Uncertain Significance.

Ambry Genetics
Classification: Uncertain significance for Inborn genetic diseases. Last evaluated: 2025-08-12. Review status: criteria provided, single submitter. Criteria: Ambry Variant Classification Scheme 2023. Collection method: clinical testing. Allele origin: germline.

GeneDx
Classification: Uncertain significance. Last evaluated: 2019-09-20. Review status: criteria provided, single submitter. Criteria: GeneDx Variant Classification Process June 2021. Collection method: clinical testing. Allele origin: germline. Affected: yes.
Comment: Not observed in large population cohorts (Lek et al., 2016); In silico analysis, which includes protein predictors and evolutionary conservation, supports that this variant does not alter protein structure/function; Has not been previously published as pathogenic or benign to our knowledge

NM_080632.3(UPF3B):c.696G>T (p.Glu232Asp)

Gene: UPF3B (UPF3B regulator of nonsense mediated mRNA decay; minus strand). Cytogenetic location: Xq24.
Variant type: single nucleotide variant.
Coding change: c.696G>T on transcript NM_080632.3 (MANE Select); coding-DNA position 696, G replaced by T.
Protein change: p.Glu232Asp; replaces glutamic acid 232 with aspartic acid.
Molecular consequence: missense variant.
Genome position (GRCh38, 1-based): chrX:119,841,187, C>A on the plus strand (G>T on the coding strand, the complement: UPF3B is on the minus strand). VCF-style: chrX-119841187-C-A. GRCh37 (hg19) VCF-style: chrX-118975150-C-A.
Other names: c.696G>T, p.Glu232Asp (NM_023010.4); c.696G>T (NM_080632.2); short protein forms E232D.
Identifiers: ClinVar variation 1312407 (VCV001312407.4), dbSNP rs775501896, ClinGen allele CA414184374.
Genomic context (GRCh38, chrX:119,841,187, plus strand): 5'-CTTCTTTAGCTTTTCTATATCTTTCCTTTTTCGTTTCTCTTCTTCTTTCCATTTCCTCCT[C>A]TCTTCTTCTCTTTGTCTTTTTCTTTCTATTTCTCTCCTCCTCCTTTCTTCTCTCTTTTCT-3'
Protein context (NP_542199.1, residues 222-242): EIERKRQREE[Glu232Asp]RRKWKEEEKR